The following is an entry in ClinVar:

ClinVar aggregate classification (germline): Uncertain significance (1 of 4 stars; one submission).

Conditions:
Progressive myoclonic epilepsy. Also called: Myoclonic Epilepsies, Progressive; Familial progressive myoclonic epilepsy; Myoclonus epilepsy; Progressive myoclonus epilepsy. Identifiers: Orphanet 308, Orphanet 98261, MedGen C0751778, MONDO:0020074.

Allele frequency attached by ClinVar (database versions not stated): gnomAD exomes below 0.00001; gnomAD 0.00001.
gnomAD v4.1: 2 of 1,613,990 alleles (0.00012%); highest among the groups gnomAD compares: African/African-American, 0.0013%; no homozygotes.

Submission:

Labcorp Genetics (formerly Invitae), Labcorp
Classification: Uncertain significance for Progressive myoclonic epilepsy. Last evaluated: 2024-01-22. Review status: criteria provided, single submitter. Criteria: Invitae Variant Classification Sherloc (09022015). Collection method: clinical testing. Allele origin: germline.
Comment: This sequence change replaces histidine, which is basic and polar, with arginine, which is basic and polar, at codon 89 of the GOSR2 protein (p.His89Arg). This variant is not present in population databases (gnomAD no frequency). This variant has not been reported in the literature in individuals affected with GOSR2-related conditions. ClinVar contains an entry for this variant (Variation ID: 648668). An algorithm developed to predict the effect of missense changes on protein structure and function (PolyPhen-2) suggests that this variant¬†is likely to be tolerated. In summary, the available evidence is currently insufficient to determine the role of this variant in disease. Therefore, it has been classified as a Variant of Uncertain Significance.

NM_004287.5(GOSR2):c.266A>G (p.His89Arg)

Genes: GOSR2 (golgi SNAP receptor complex member 2; plus strand), LRRC37A2 (leucine rich repeat containing 37 member A2), LOC126862578 (BRD4-independent group 4 enhancer GRCh37_chr17:45008344-45009543; plus strand). Cytogenetic location: 17q21.32.
Variant type: single nucleotide variant.
Coding change: c.266A>G on transcript NM_004287.5 (MANE Select); coding-DNA position 266, A replaced by G.
Protein change: p.His89Arg; replaces histidine 89 with arginine.
Molecular consequence: missense variant. On other transcripts: non-coding transcript variant (3).
Genome position (GRCh38, 1-based): chr17:46,932,129, A>G. VCF-style: chr17-46932129-A-G. GRCh37 (hg19) VCF-style: chr17-45009495-A-G.
Other names: c.266A>G, p.His89Arg (NM_001012511.3, NM_001321133.2, NM_001330252.2 and 1 more transcripts); c.212A>G, p.His71Arg (NM_001321134.2, NM_001363851.2); c.263A>G, p.His88Arg (NM_001353114.2, NM_001353115.2, NM_001353116.2); short protein forms H89R, H71R, H88R.
Identifiers: ClinVar variation 648668 (VCV000648668.7), dbSNP rs1598989011, ClinGen allele CA400016984.